The following is an entry in ClinVar:

ClinVar aggregate classification (germline): Uncertain significance (1 of 4 stars; one submission).

Conditions:
Tuberous sclerosis 1 (TSC1). Identifiers: Orphanet 805, MedGen C1854465, MONDO:0008612, OMIM 191100.

Submission:

Labcorp Genetics (formerly Invitae), Labcorp
Classification: Uncertain significance for Tuberous sclerosis 1. Last evaluated: 2021-08-17. Review status: criteria provided, single submitter. Criteria: Invitae Variant Classification Sherloc (09022015). Collection method: clinical testing. Allele origin: germline.
Comment: This variant has not been reported in the literature in individuals affected with TSC1-related conditions. Algorithms developed to predict the effect of missense changes on protein structure and function are either unavailable or do not agree on the potential impact of this missense change (SIFT: "Deleterious"; PolyPhen-2: "Possibly Damaging"; Align-GVGD: "Class C15"). In summary, the available evidence is currently insufficient to determine the role of this variant in disease. Therefore, it has been classified as a Variant of Uncertain Significance. This variant is not present in population databases (ExAC no frequency). This sequence change replaces serine with phenylalanine at codon 1114 of the TSC1 protein (p.Ser1114Phe). The serine residue is highly conserved and there is a large physicochemical difference between serine and phenylalanine.

NM_000368.5(TSC1):c.3341C>T (p.Ser1114Phe)

Gene: TSC1 (TSC complex subunit 1; minus strand). Cytogenetic location: 9q34.13.
Variant type: single nucleotide variant.
Coding change: c.3341C>T on transcript NM_000368.5 (MANE Select); coding-DNA position 3341, C replaced by T.
Protein change: p.Ser1114Phe; replaces serine 1114 with phenylalanine.
Molecular consequence: missense variant.
Genome position (GRCh38, 1-based): chr9:132,896,389, G>A on the plus strand (C>T on the coding strand, the complement: TSC1 is on the minus strand). VCF-style: chr9-132896389-G-A. GRCh37 (hg19) VCF-style: chr9-135771776-G-A.
Other names: c.3338C>T, p.Ser1113Phe (NM_001162426.2); c.3188C>T, p.Ser1063Phe (NM_001162427.2); c.2978C>T, p.Ser993Phe (NM_001362177.2); short protein forms S1113F, S1063F, S1114F, S993F.
Identifiers: ClinVar variation 1408131 (VCV001408131.6), dbSNP rs2131593288, ClinGen allele CA375366575.